The following is an entry in ClinVar:

NM_000094.4(COL7A1):c.6041_6042del (p.Gln2014fs)

Gene: COL7A1 (collagen type VII alpha 1 chain; minus strand). Cytogenetic location: 3p21.31.
Variant type: Deletion.
Coding change: c.6041_6042del on transcript NM_000094.4 (MANE Select); coding-DNA positions 6041 to 6042, 2 bases deleted (AG; older notation c.6041_6042delAG).
Protein change: p.Gln2014fs; shifts the reading frame from glutamine 2014.
Molecular consequence: frameshift variant.
Genome position (GRCh38, 1-based): chr3:48,575,477-48,575,478, CT deleted on the plus strand (AG on the coding strand, the reverse complement: COL7A1 is on the minus strand). VCF-style (leftmost placement, unchanged base first): chr3-48575476-CCT-C. GRCh37 (hg19) VCF-style: chr3-48612909-CCT-C.
Other names: c.6041_6042delAG (NM_000094.4); short protein forms Q2014fs.
Identifiers: ClinVar variation 1047946 (VCV001047946.2), dbSNP rs2044233322, ClinGen allele CA1363082826.
Genomic context (GRCh38, chr3:48,575,476, plus strand): 5'-CCCCGGCAAGGCCGGAAGGCCCGGGGGGGCCCCTCTCCCCAAGGGCCAGACCAGGTGGCC[CCT>C]GAGGGCCAGGGTCTCCACGGTCGCCCTTCAGCCCGCGTTCTCCAGGAAAGCCGATGGGGC-3'

ClinVar aggregate classification (germline): Pathogenic. Review status: criteria provided, multiple submitters, no conflicts (2 of 4 stars). 2 submissions from 2 submitters: Pathogenic (2). Last evaluated 2024-07-01.

Conditions:
Recessive dystrophic epidermolysis bullosa (RDEB). Also called: severe generalized recessive dystrophic epidermolysis bullosa; EPIDERMOLYSIS BULLOSA DYSTROPHICA, GENERALIZED SEVERE, AUTOSOMAL RECESSIVE; Epidermolysis Bullosa Distrophica Autosomal Recessive (RDEB); DYSTROPHIC EPIDERMOLYSIS BULLOSA, AUTOSOMAL RECESSIVE; EPIDERMOLYSIS BULLOSA DYSTROPHICA, HALLOPEAU-SIEMENS TYPE; epidermolysis bullosa dystrophica, autosomal recessive. Identifiers: Orphanet 79408, Orphanet 79409, MedGen C0079474, MONDO:0009179, OMIM 226600.
Epidermolysis bullosa dystrophica. Also called: Dystrophic epidermolysis bullosa, Hallopeau-Siemens type (formerly); Dystrophic epidermolysis bullosa. Identifiers: Orphanet 303, MedGen C0079294, MONDO:0006543.

Allele frequency attached by ClinVar (database versions not stated): gnomAD exomes below 0.00001.

Submissions (2):

Myriad Genetics, Inc.
Classification: Pathogenic for Recessive dystrophic epidermolysis bullosa. Last evaluated: 2024-07-01. Review status: criteria provided, single submitter. Criteria: Myriad Autosomal Dominant, Autosomal Recessive and X-Linked Classification Criteria (2023). Collection method: clinical testing. Allele origin: unknown.
Comment: NM_000094.3(COL7A1):c.6041_6042delAG(Q2014Rfs*84) is expected to be pathogenic in the context of dystrophic epidermolysis bullosa. This variant is predicted to lead to an abnormal or absent protein product due to the creation of a premature termination codon in COL7A1, a gene where loss-of-function variants are known to be pathogenic. Please note: this variant was assessed in the context of healthy population screening.

Biomedical Innovation Departament, CIEMAT
Classification: Pathogenic for Dystrophic epidermolysis bullosa. Last evaluated: 2015-05-07. Review status: criteria provided, single submitter. Criteria: ACMG Guidelines, 2015. Collection method: research. Allele origin: germline. Affected: yes. Observed: 1 variant allele.

Literature cited by the submitters: PubMed 10504458 (cited by Biomedical Innovation Departament, CIEMAT).